The following is an entry in ClinVar:

NM_022089.4(ATP13A2):c.598T>C (p.Ser200Pro)

Gene: ATP13A2 (ATPase cation transporting 13A2; minus strand). Cytogenetic location: 1p36.13.
Variant type: single nucleotide variant.
Coding change: c.598T>C on transcript NM_022089.4 (MANE Select); coding-DNA position 598, T replaced by C.
Protein change: p.Ser200Pro; replaces serine 200 with proline.
Molecular consequence: missense variant.
Genome position (GRCh38, 1-based): chr1:17,002,333, A>G on the plus strand (T>C on the coding strand, the complement: ATP13A2 is on the minus strand). VCF-style: chr1-17002333-A-G. GRCh37 (hg19) VCF-style: chr1-17328828-A-G.
Other names: c.583T>C, p.Ser195Pro (NM_001141973.3, NM_001141974.3); short protein forms S195P, S200P.
Identifiers: ClinVar variation 2417190 (VCV002417190.7), dbSNP rs2524199251, ClinGen allele CA338260282.
Genomic context (GRCh38, chr1:17,002,333, plus strand): 5'-CCCCGGTCCAGGGCAGCACTGACCTCACCATTTGGTCCTGGAGGCTGAGGCCATGGCGGG[A>G]GCGGTGGACGTCGTCACAAGAGCGGCCATGGTCCAGGAGGCTGGGGGTGGGTGCGAGGGG-3'
Protein context (NP_071372.1, residues 190-210): HGRSCDDVHR[Ser200Pro]RHGLSLQDQM

ClinVar aggregate classification (germline): Uncertain significance (1 of 4 stars; one submission).

Conditions:
Kufor-Rakeb syndrome (KRS). Also called: PARKINSON DISEASE 9, AUTOSOMAL RECESSIVE, JUVENILE-ONSET. Identifiers: Orphanet 306674, Orphanet 314632, MedGen C1847640, MONDO:0011706, OMIM 606693.
Autosomal recessive spastic paraplegia type 78. Identifiers: Orphanet 513436, MedGen C5567893, MONDO:0014975, OMIM 617225.

Submission:

Labcorp Genetics (formerly Invitae), Labcorp
Classification: Uncertain significance for Kufor-Rakeb syndrome; Autosomal recessive spastic paraplegia type 78. Last evaluated: 2025-10-02. Review status: criteria provided, single submitter. Criteria: Invitae Variant Classification Sherloc (09022015). Collection method: clinical testing. Allele origin: germline.
Comment: This sequence change replaces serine, which is neutral and polar, with proline, which is neutral and non-polar, at codon 200 of the ATP13A2 protein (p.Ser200Pro). This variant is not present in population databases (gnomAD no frequency). This variant has not been reported in the literature in individuals affected with ATP13A2-related conditions. ClinVar contains an entry for this variant (Variation ID: 2417190). Invitae Evidence Modeling of protein sequence and biophysical properties (such as structural, functional, and spatial information, amino acid conservation, physicochemical variation, residue mobility, and thermodynamic stability) indicates that this missense variant is not expected to disrupt ATP13A2 protein function with a negative predictive value of 80%. In summary, the available evidence is currently insufficient to determine the role of this variant in disease. Therefore, it has been classified as a Variant of Uncertain Significance.